The following is an entry in ClinVar:

ClinVar aggregate classification (germline): Uncertain significance (1 of 4 stars; one submission).

Conditions:
Arrhythmogenic right ventricular dysplasia 12. Also called: ARRHYTHMOGENIC RIGHT VENTRICULAR DYSPLASIA, FAMILIAL, 12. Identifiers: MedGen C1969081, MONDO:0012684, OMIM 611528.
Naxos disease (NXD). Also called: KERATOSIS PALMOPLANTARIS WITH ARRHYTHMOGENIC CARDIOMYOPATHY; MAL DE NAXOS; PALMOPLANTAR KERATODERMA WITH ARRHYTHMOGENIC RIGHT VENTRICULAR CARDIOMYOPATHY AND WOOLLY HAIR; WOOLLY HAIR, PALMOPLANTAR KERATODERMA, AND CARDIAC ABNORMALITIES; CARDIOMYOPATHY, ARRHYTHMOGENIC RIGHT VENTRICULAR, WITH SKIN, HAIR, AND NAIL ABNORMALITIES. Identifiers: Orphanet 34217, MedGen C1832600, MONDO:0011017, OMIM 601214.

gnomAD v4.1: 1 of 1,606,528 alleles (0.000062%); highest among the groups gnomAD compares: Non-Finnish European, 0.000085%; no homozygotes.

Submission:

Labcorp Genetics (formerly Invitae), Labcorp
Classification: Uncertain significance for Arrhythmogenic right ventricular dysplasia 12; Naxos disease. Last evaluated: 2024-11-25. Review status: criteria provided, single submitter. Criteria: Invitae Variant Classification Sherloc (09022015). Collection method: clinical testing. Allele origin: germline.
Comment: This sequence change replaces serine, which is neutral and polar, with proline, which is neutral and non-polar, at codon 175 of the JUP protein (p.Ser175Pro). This variant is not present in population databases (gnomAD no frequency). This variant has not been reported in the literature in individuals affected with JUP-related conditions. An algorithm developed to predict the effect of missense changes on protein structure and function (PolyPhen-2) suggests that this variant is likely to be disruptive. In summary, the available evidence is currently insufficient to determine the role of this variant in disease. Therefore, it has been classified as a Variant of Uncertain Significance.

NM_002230.4(JUP):c.523T>C (p.Ser175Pro)

Gene: JUP (junction plakoglobin; minus strand). Cytogenetic location: 17q21.2.
Variant type: single nucleotide variant.
Coding change: c.523T>C on transcript NM_002230.4 (MANE Select); coding-DNA position 523, T replaced by C.
Protein change: p.Ser175Pro; replaces serine 175 with proline.
Molecular consequence: missense variant.
Genome position (GRCh38, 1-based): chr17:41,769,153, A>G on the plus strand (T>C on the coding strand, the complement: JUP is on the minus strand). VCF-style: chr17-41769153-A-G. GRCh37 (hg19) VCF-style: chr17-39925405-A-G.
Other names: c.523T>C, p.Ser175Pro (NM_001352773.2, NM_001352774.2, NM_001352775.2 and 3 more transcripts); short protein forms S175P.
Identifiers: ClinVar variation 3759883 (VCV003759883.2).